The following is an entry in ClinVar:

ClinVar aggregate classification (germline): Likely benign (0 of 4 stars; one submission).

Conditions:
RP1L1-related disorder. Also called: RP1L1-related condition.

gnomAD v4.1: 14 of 1,603,492 alleles (0.00087%); highest among the groups gnomAD compares: African/African-American, 0.016%; no homozygotes.

Submission:

PreventionGenetics, part of Exact Sciences
Classification: Likely benign for RP1L1-related condition. Last evaluated: 2024-08-13. Review status: no assertion criteria provided. Collection method: clinical testing. Allele origin: germline.
Comment: This variant is classified as likely benign based on ACMG/AMP sequence variant interpretation guidelines (Richards et al. 2015 PMID: 25741868, with internal and published modifications).

NM_178857.6(RP1L1):c.801G>C (p.Pro267=)

Gene: RP1L1 (RP1 like 1). Cytogenetic location: 8p23.1.
Variant type: single nucleotide variant.
Coding change: c.801G>C on transcript NM_178857.6 (MANE Select); coding-DNA position 801, G replaced by C.
Protein change: p.Pro267=; no amino-acid change (proline 267 retained).
Molecular consequence: synonymous variant.
Genome position (GRCh38, 1-based): chr8:10,613,297, C>G on the plus strand (G>C on the coding strand, the complement: RP1L1 is on the minus strand). VCF-style: chr8-10613297-C-G. GRCh37 (hg19) VCF-style: chr8-10470807-C-G.
Identifiers: ClinVar variation 3358674 (VCV003358674.1).